The following is an entry in ClinVar:

ClinVar aggregate classification (germline): Uncertain significance (1 of 4 stars; one submission).

Conditions:
Familial hypokalemia-hypomagnesemia (GTLMNS). Also called: HYPOMAGNESEMIA-HYPOKALEMIA, PRIMARY RENOTUBULAR, WITH HYPOCALCIURIA; POTASSIUM AND MAGNESIUM DEPLETION; gitelman syndrome. Identifiers: Orphanet 358, MedGen C0268450, MONDO:0009904, OMIM 263800.

gnomAD v4.1: 1 of 1,613,990 alleles (0.000062%); highest among the groups gnomAD compares: Non-Finnish European, 0.000085%; no homozygotes.

Submission:

MVZ Medizinische Genetik Mainz
Classification: Uncertain significance for Familial hypokalemia-hypomagnesemia. Last evaluated: 2025-06-30. Review status: criteria provided, single submitter. Criteria: UK Practice Guidelines For Variant Classification V4 01 2020. Collection method: clinical testing. Allele origin: germline. Inheritance: Autosomal recessive inheritance. Observed: 1 variant allele.
Comment: ACMG Criteria: PM5,PM2_SUP,PM3_SUP,PP4

NM_001126108.2(SLC12A3):c.2119G>C (p.Ala707Pro)

Gene: SLC12A3 (solute carrier family 12 member 3; plus strand). Cytogenetic location: 16q13.
Variant type: single nucleotide variant.
Coding change: c.2119G>C on transcript NM_001126108.2 (MANE Select); coding-DNA position 2119, G replaced by C.
Protein change: p.Ala707Pro; replaces alanine 707 with proline.
Molecular consequence: missense variant.
Genome position (GRCh38, 1-based): chr16:56,887,034, G>C. VCF-style: chr16-56887034-G-C. GRCh37 (hg19) VCF-style: chr16-56920946-G-C.
Other names: c.2119G>C, p.Ala707Pro (NM_000339.3); c.2116G>C, p.Ala706Pro (NM_001126107.2, NM_001410896.1); short protein forms A706P, A707P.
Identifiers: ClinVar variation 4072225 (VCV004072225.1).
Genomic context (GRCh38, chr16:56,887,034, plus strand): 5'-CCTGAGCTCCAGCTCATCGCCAACGGGCACACCAAGTGGCTGAACAAGAGGAAGATCAAG[G>C]CCTTCTACTCGGATGTCATTGCCGAGGACCTCCGCAGAGGCGTCCAGATCCTCATGCAGG-3'
Protein context (NP_001119580.2, residues 697-717): TKWLNKRKIK[Ala707Pro]FYSDVIAEDL